The following is an entry in ClinVar:

NM_000094.4(COL7A1):c.1383A>G (p.Val461=)

Gene: COL7A1 (collagen type VII alpha 1 chain; minus strand). Cytogenetic location: 3p21.31.
Variant type: single nucleotide variant.
Coding change: c.1383A>G on transcript NM_000094.4 (MANE Select); coding-DNA position 1383, A replaced by G.
Protein change: p.Val461=; no amino-acid change (valine 461 retained).
Molecular consequence: synonymous variant.
Genome position (GRCh38, 1-based): chr3:48,591,797, T>C on the plus strand (A>G on the coding strand, the complement: COL7A1 is on the minus strand). VCF-style: chr3-48591797-T-C. GRCh37 (hg19) VCF-style: chr3-48629230-T-C.
Identifiers: ClinVar variation 787788 (VCV000787788.15), dbSNP rs112805032, ClinGen allele CA2381222.
Genomic context (GRCh38, chr3:48,591,797, plus strand): 5'-GCGGTACTCAGTGCCCGGCTGCAGCCCATCCAACTGGTAGCGGGTCACATCAGAGGGCAG[T>C]ACCACCTTCTGCGGTGGCTCCAAGCCTGCAAGATAACAGGGTCAGACCAGCAGAGGCCAT-3'
Protein context (NP_000085.1, residues 451-471): ETGLEPPQKV[Val461=]LPSDVTRYQL

ClinVar aggregate classification (germline): Benign/Likely benign. Review status: criteria provided, multiple submitters, no conflicts (2 of 4 stars). 5 submissions from 5 submitters: Benign (2); Likely benign (2). 1 of the submissions does not count toward it. Last evaluated 2026-05-01.

Conditions:
Epidermolysis bullosa dystrophica inversa, autosomal recessive. Identifiers: MedGen C2673612.

Allele frequency attached by ClinVar (database versions not stated): gnomAD exomes 0.00035 and 0.00081; ExAC 0.00099; 1000 Genomes Project 0.00319; 1000 Genomes Project 30x 0.00328; ESP Exome Variant Server 0.00361; gnomAD 0.00385 and 0.00414; TOPMed 0.00393.
gnomAD v4.1: 1,102 of 1,614,176 alleles (0.068%); highest among the groups gnomAD compares: African/African-American, 1.3%; 9 homozygotes.

Submissions (5):

CeGaT Center for Human Genetics Tuebingen
Classification: Likely benign. Last evaluated: 2026-05-01. Review status: criteria provided, single submitter. Criteria: CeGaT Center For Human Genetics Tuebingen Variant Classification Criteria Version 2. Collection method: clinical testing. Allele origin: germline. Affected: yes. Observed: 1 variant allele.
Comment: COL7A1: BP4, BP7, BS1

Labcorp Genetics (formerly Invitae), Labcorp
Classification: Benign. Last evaluated: 2026-02-01. Review status: criteria provided, single submitter. Criteria: Invitae Variant Classification Sherloc (09022015). Collection method: clinical testing. Allele origin: germline.

Blueprint Genetics
Classification: Likely benign. Last evaluated: 2024-11-11. Review status: criteria provided, single submitter. Criteria: ACMG Guidelines, 2015. Collection method: clinical testing. Allele origin: germline.

Breakthrough Genomics
Classification: Benign. Review status: criteria provided, single submitter. Criteria: ACMG Guidelines, 2015. Collection method: not provided. Allele origin: germline. Inheritance: Autosomal recessive inheritance. Affected: yes.

Natera, Inc.
Classification: Benign for Autosomal recessive epidermolysis bullosa dystrophica inversa. Last evaluated: 2020-09-16. Review status: no assertion criteria provided. Collection method: clinical testing. Allele origin: germline. Not counted in ClinVar's aggregate classification.